The following is an entry in ClinVar:

ClinVar aggregate classification (germline): Uncertain significance (1 of 4 stars; one submission).

Conditions:
Psoriasis 2. Identifiers: MedGen C1864497, MONDO:0011269, OMIM 602723.
Pityriasis rubra pilaris (PRP). Also called: Pityriasis rubra pilaris--familial type. Identifiers: Orphanet 2897, MedGen C0032027, MONDO:0100017, OMIM 173200, MONDO:0008251.

Allele frequency attached by ClinVar (database versions not stated): ESP Exome Variant Server 0.00008; 1000 Genomes Project 30x 0.00016; 1000 Genomes Project 0.00020.
gnomAD v4.1: 124 of 1,613,122 alleles (0.0077%); highest among the groups gnomAD compares: Middle Eastern, 0.016%; no homozygotes.

Submission:

Labcorp Genetics (formerly Invitae), Labcorp
Classification: Uncertain significance for Pityriasis rubra pilaris; Psoriasis 2. Last evaluated: 2025-12-28. Review status: criteria provided, single submitter. Criteria: Invitae Variant Classification Sherloc (09022015). Collection method: clinical testing. Allele origin: germline.
Comment: This sequence change replaces alanine, which is neutral and non-polar, with threonine, which is neutral and polar, at codon 367 of the CARD14 protein (p.Ala367Thr). This variant is present in population databases (rs375882704, gnomAD 0.02%). This missense change has been observed in individual(s) with CARD14-related conditions (PMID: 36174714). ClinVar contains an entry for this variant (Variation ID: 1425909). Invitae Evidence Modeling of protein sequence and biophysical properties (such as structural, functional, and spatial information, amino acid conservation, physicochemical variation, residue mobility, and thermodynamic stability) indicates that this missense variant is not expected to disrupt CARD14 protein function with a negative predictive value of 95%. In summary, the available evidence is currently insufficient to determine the role of this variant in disease. Therefore, it has been classified as a Variant of Uncertain Significance.

Literature cited by the submitters: PubMed 36174714.

NM_001366385.1(CARD14):c.1099G>A (p.Ala367Thr)

Gene: CARD14 (caspase recruitment domain family member 14; plus strand). Cytogenetic location: 17q25.3.
Variant type: single nucleotide variant.
Coding change: c.1099G>A on transcript NM_001366385.1 (MANE Select); coding-DNA position 1099, G replaced by A.
Protein change: p.Ala367Thr; replaces alanine 367 with threonine.
Molecular consequence: missense variant. On other transcripts: non-coding transcript variant (1).
Genome position (GRCh38, 1-based): chr17:80,191,332, G>A. VCF-style: chr17-80191332-G-A. GRCh37 (hg19) VCF-style: chr17-78165131-G-A.
Other names: c.1099G>A, p.Ala367Thr (NM_001257970.1, NM_024110.4); c.388G>A, p.Ala130Thr (NM_052819.3); short protein forms A367T, A130T.
Identifiers: ClinVar variation 1425909 (VCV001425909.6), dbSNP rs375882704, ClinGen allele CA8816675.